The following is an entry in ClinVar:

ClinVar aggregate classification (germline): Likely pathogenic (1 of 4 stars; one submission).

Conditions:
FBN1-related disorder. Also called: FBN1-related disorders.

Submission:

PreventionGenetics, part of Exact Sciences
Classification: Likely pathogenic for FBN1-related condition. Last evaluated: 2023-01-03. Review status: criteria provided, single submitter. Criteria: ACMG Guidelines, 2015. Collection method: clinical testing. Allele origin: germline.
Comment: The FBN1 c.4516C>A variant is predicted to result in the amino acid substitution p.Pro1506Thr. To our knowledge, this variant has not been reported in the literature or in a large population database, indicating this variant is rare. This variant is interpreted as likely pathogenic.

NM_000138.5(FBN1):c.4516C>A (p.Pro1506Thr)

Gene: FBN1 (fibrillin 1; minus strand). Cytogenetic location: 15q21.1.
Variant type: single nucleotide variant.
Coding change: c.4516C>A on transcript NM_000138.5 (MANE Select); coding-DNA position 4516, C replaced by A.
Protein change: p.Pro1506Thr; replaces proline 1506 with threonine.
Molecular consequence: missense variant.
Genome position (GRCh38, 1-based): chr15:48,468,478, G>T on the plus strand (C>A on the coding strand, the complement: FBN1 is on the minus strand). VCF-style: chr15-48468478-G-T. GRCh37 (hg19) VCF-style: chr15-48760675-G-T.
Other names: c.4516C>A, p.Pro1506Thr (NM_001406716.1); short protein forms P1506T.
Identifiers: ClinVar variation 2637023 (VCV002637023.1), dbSNP rs794728224, ClinGen allele CA392353583.